The following is an entry in ClinVar:

ClinVar aggregate classification (germline): Uncertain significance (1 of 4 stars; one submission).

Conditions:
COG5-congenital disorder of glycosylation. Also called: CONGENITAL DISORDER OF GLYCOSYLATION, TYPE IIi; COG5-CDG; CDG IIi. Identifiers: Orphanet 263487, MedGen C3150876, MONDO:0013325, OMIM 613612.

Allele frequency attached by ClinVar (database versions not stated): gnomAD exomes 0.00001 and 0.00005; ExAC 0.00005; ESP Exome Variant Server 0.00008; gnomAD 0.00010 and 0.00011; TOPMed 0.00011; 1000 Genomes Project 0.00060; 1000 Genomes Project 30x 0.00078.
gnomAD v4.1: 35 of 1,595,634 alleles (0.0022%); highest among the groups gnomAD compares: African/African-American, 0.042%; no homozygotes.

Submission:

Labcorp Genetics (formerly Invitae), Labcorp
Classification: Uncertain significance for COG5-congenital disorder of glycosylation. Last evaluated: 2022-08-01. Review status: criteria provided, single submitter. Criteria: Invitae Variant Classification Sherloc (09022015). Collection method: clinical testing. Allele origin: germline.
Comment: This sequence change replaces glutamine, which is neutral and polar, with arginine, which is basic and polar, at codon 560 of the COG5 protein (p.Gln560Arg). This variant is present in population databases (rs377326343, gnomAD 0.05%). This variant has not been reported in the literature in individuals affected with COG5-related conditions. ClinVar contains an entry for this variant (Variation ID: 1518486). Algorithms developed to predict the effect of missense changes on protein structure and function are either unavailable or do not agree on the potential impact of this missense change (SIFT: "Tolerated"; PolyPhen-2: "Possibly Damaging"; Align-GVGD: "Class C0"). In summary, the available evidence is currently insufficient to determine the role of this variant in disease. Therefore, it has been classified as a Variant of Uncertain Significance.

NM_006348.5(COG5):c.1586A>G (p.Gln529Arg)

Genes: COG5 (component of oligomeric golgi complex 5; minus strand), LOC129389837 (MPRA-validated peak6677 silencer; plus strand). Cytogenetic location: 7q22.3.
Variant type: single nucleotide variant.
Coding change: c.1586A>G on transcript NM_006348.5 (MANE Select); coding-DNA position 1586, A replaced by G.
Protein change: p.Gln529Arg; replaces glutamine 529 with arginine.
Molecular consequence: missense variant. On other transcripts: intron variant (1).
Genome position (GRCh38, 1-based): chr7:107,258,373, T>C on the plus strand (A>G on the coding strand, the complement: COG5 is on the minus strand). VCF-style: chr7-107258373-T-C. GRCh37 (hg19) VCF-style: chr7-106898818-T-C.
Other names: c.1586A>G, p.Gln529Arg (NM_001161520.2, NM_001379513.1, NM_001379514.1 and 1 more transcripts); c.1424A>G, p.Gln475Arg (NM_001379511.1); c.1016A>G, p.Gln339Arg (NM_001379515.1); c.872A>G, p.Gln291Arg (NM_001379516.1); c.1576-9874A>G (NM_001379512.1); short protein forms Q475R, Q291R, Q339R, Q529R.
Identifiers: ClinVar variation 1518486 (VCV001518486.5), dbSNP rs377326343, ClinGen allele CA4430854.